The following is an entry in ClinVar:

NM_020975.6(RET):c.1734C>G (p.Ile578Met)

Gene: RET (ret proto-oncogene; plus strand). Cytogenetic location: 10q11.21.
Variant type: single nucleotide variant.
Coding change: c.1734C>G on transcript NM_020975.6 (MANE Select); coding-DNA position 1734, C replaced by G.
Protein change: p.Ile578Met; replaces isoleucine 578 with methionine.
Molecular consequence: missense variant.
Genome position (GRCh38, 1-based): chr10:43,112,938, C>G. VCF-style: chr10-43112938-C-G. GRCh37 (hg19) VCF-style: chr10-43608386-C-G.
Other names: c.1734C>G, p.Ile578Met (NM_000323.2, NM_001406743.1, NM_001406744.1 and 6 more transcripts); c.972C>G, p.Ile324Met (NM_001355216.2); c.1605C>G, p.Ile535Met (NM_001406761.1, NM_001406762.1, NM_001406764.1 and 1 more transcripts); c.1446C>G, p.Ile482Met (NM_001406766.1, NM_001406767.1, NM_001406770.1); c.1338C>G, p.Ile446Met (NM_001406769.1, NM_001406772.1); c.1296C>G, p.Ile432Met (NM_001406771.1, NM_001406773.1); c.1209C>G, p.Ile403Met (NM_001406774.1); c.1008C>G, p.Ile336Met (NM_001406775.1, NM_001406776.1, NM_001406777.1 and 1 more transcripts); and 5 more; short protein forms I578M, I324M, I403M, I535M, I236M, I336M, I183M, I248M.
Identifiers: ClinVar variation 570040 (VCV000570040.11), dbSNP rs1564495318, ClinGen allele CA376552110.

ClinVar aggregate classification (germline): Uncertain significance (1 of 4 stars; one submission).

Conditions:
Multiple endocrine neoplasia, type 2 (MEN2). Identifiers: Orphanet 653, MedGen C4048306, MONDO:0019003. Disease mechanism: gain of function.

Allele frequency attached by ClinVar (database versions not stated): gnomAD exomes below 0.00001.
gnomAD v4.1: 3 of 1,614,140 alleles (0.00019%); highest among the groups gnomAD compares: Non-Finnish European, 0.00025%; no homozygotes.

Submission:

Labcorp Genetics (formerly Invitae), Labcorp
Classification: Uncertain significance for Multiple endocrine neoplasia, type 2. Last evaluated: 2024-09-02. Review status: criteria provided, single submitter. Criteria: Invitae Variant Classification Sherloc (09022015). Collection method: clinical testing. Allele origin: germline.
Comment: This sequence change replaces isoleucine, which is neutral and non-polar, with methionine, which is neutral and non-polar, at codon 578 of the RET protein (p.Ile578Met). This variant is not present in population databases (gnomAD no frequency). This variant has not been reported in the literature in individuals affected with RET-related conditions. ClinVar contains an entry for this variant (Variation ID: 570040). An algorithm developed to predict the effect of missense changes on protein structure and function (PolyPhen-2) suggests that this variant is likely to be tolerated. In summary, the available evidence is currently insufficient to determine the role of this variant in disease. Therefore, it has been classified as a Variant of Uncertain Significance.